The following is an entry in ClinVar:

ClinVar aggregate classification (germline): Uncertain significance. Review status: criteria provided, multiple submitters, no conflicts (2 of 4 stars). 2 submissions from 2 submitters: Uncertain significance (2). Last evaluated 2024-07-02.

Conditions:
Inborn genetic diseases. Identifiers: MedGen C0950123, MeSH D030342.

Allele frequency attached by ClinVar (database versions not stated): gnomAD 0.00001; gnomAD exomes 0.00002; ExAC 0.00006; 1000 Genomes Project 30x 0.00016.

Submissions (2):

Labcorp Genetics (formerly Invitae), Labcorp
Classification: Uncertain significance. Last evaluated: 2024-07-02. Review status: criteria provided, single submitter. Criteria: Invitae Variant Classification Sherloc (09022015). Collection method: clinical testing. Allele origin: germline.
Comment: This sequence change replaces glutamine, which is neutral and polar, with arginine, which is basic and polar, at codon 156 of the THBD protein (p.Gln156Arg). This variant is present in population databases (rs555688778, gnomAD 0.02%). This variant has not been reported in the literature in individuals affected with THBD-related conditions. ClinVar contains an entry for this variant (Variation ID: 2614518). Advanced modeling of protein sequence and biophysical properties (such as structural, functional, and spatial information, amino acid conservation, physicochemical variation, residue mobility, and thermodynamic stability) performed at Invitae indicates that this missense variant is not expected to disrupt THBD protein function with a negative predictive value of 80%. In summary, the available evidence is currently insufficient to determine the role of this variant in disease. Therefore, it has been classified as a Variant of Uncertain Significance.

Ambry Genetics
Classification: Uncertain significance for Inborn genetic diseases. Last evaluated: 2023-08-02. Review status: criteria provided, single submitter. Criteria: Ambry Variant Classification Scheme 2023. Collection method: clinical testing. Allele origin: germline.

NM_000361.3(THBD):c.467A>G (p.Gln156Arg)

Gene: THBD (thrombomodulin; minus strand). Cytogenetic location: 20p11.21.
Variant type: single nucleotide variant.
Coding change: c.467A>G on transcript NM_000361.3 (MANE Select); coding-DNA position 467, A replaced by G.
Protein change: p.Gln156Arg; replaces glutamine 156 with arginine.
Molecular consequence: missense variant.
Genome position (GRCh38, 1-based): chr20:23,049,038, T>C on the plus strand (A>G on the coding strand, the complement: THBD is on the minus strand). VCF-style: chr20-23049038-T-C. GRCh37 (hg19) VCF-style: chr20-23029675-T-C.
Other names: short protein forms Q156R.
Identifiers: ClinVar variation 2614518 (VCV002614518.5), dbSNP rs555688778, ClinGen allele CA9787731.